The following is an entry in ClinVar:

ClinVar aggregate classification (germline): Uncertain significance. Review status: criteria provided, multiple submitters, no conflicts (2 of 4 stars). 2 submissions from 2 submitters: Uncertain significance (2). Last evaluated 2023-03-01.

Submissions (2):

CeGaT Center for Human Genetics Tuebingen
Classification: Uncertain significance. Last evaluated: 2023-03-01. Review status: criteria provided, single submitter. Criteria: CeGaT Center For Human Genetics Tuebingen Variant Classification Criteria Version 2. Collection method: clinical testing. Allele origin: germline. Affected: yes. Observed: 1 variant allele.
Comment: NLGN4X: PM2

Eurofins Ntd Llc (ga)
Classification: Uncertain significance. Last evaluated: 2016-07-21. Review status: criteria provided, single submitter. Criteria: EGL Classification Definitions 2015. Collection method: clinical testing. Allele origin: germline. Observed: 1 variant allele.

NM_181332.3(NLGN4X):c.1216C>A (p.Leu406Ile)

Gene: NLGN4X (neuroligin 4 X-linked; minus strand). Cytogenetic location: Xp22.32.
Variant type: single nucleotide variant.
Coding change: c.1216C>A on transcript NM_181332.3 (MANE Select); coding-DNA position 1216, C replaced by A.
Protein change: p.Leu406Ile; replaces leucine 406 with isoleucine.
Molecular consequence: missense variant.
Genome position (GRCh38, 1-based): chrX:5,903,462, G>T on the plus strand (C>A on the coding strand, the complement: NLGN4X is on the minus strand). VCF-style: chrX-5903462-G-T. GRCh37 (hg19) VCF-style: chrX-5821503-G-T.
Other names: c.1216C>A, p.Leu406Ile (NM_001282145.2, NM_001282146.2, NM_020742.4); short protein forms L406I.
Identifiers: ClinVar variation 289058 (VCV000289058.29), dbSNP rs886044072, ClinGen allele CA10606314.